The following is an entry in ClinVar:

ClinVar aggregate classification (germline): Uncertain significance. Review status: criteria provided, multiple submitters, no conflicts (2 of 4 stars). 2 submissions from 2 submitters: Uncertain significance (2). Last evaluated 2025-10-03.

Conditions:
Hereditary cancer-predisposing syndrome. Also called: Tumor predisposition; Hereditary neoplastic syndrome; Hereditary Cancer Syndrome; Neoplastic Syndromes, Hereditary. Identifiers: Orphanet 140162, MedGen C0027672, MeSH D009386, MONDO:0015356.
Birt-Hogg-Dube syndrome. Also called: Birt Hogg Dubé syndrome. Identifiers: Orphanet 122, MedGen C0346010, MONDO:0800444.

Submissions (2):

Ambry Genetics
Classification: Uncertain significance for Hereditary cancer-predisposing syndrome. Last evaluated: 2025-10-03. Review status: criteria provided, single submitter. Criteria: Ambry Variant Classification Scheme 2023. Collection method: clinical testing. Allele origin: germline.
Comment: The p.M566I variant (also known as c.1698G>A), located in coding exon 11 of the FLCN gene, results from a G to A substitution at nucleotide position 1698. The methionine at codon 566 is replaced by isoleucine, an amino acid with highly similar properties. This amino acid position is conserved. In addition, the in silico prediction for this alteration is inconclusive. Based on the available evidence, the clinical significance of this variant remains unclear.

Labcorp Genetics (formerly Invitae), Labcorp
Classification: Uncertain significance for Birt-Hogg-Dube syndrome. Last evaluated: 2025-02-20. Review status: criteria provided, single submitter. Criteria: Invitae Variant Classification Sherloc (09022015). Collection method: clinical testing. Allele origin: germline.
Comment: This sequence change replaces methionine, which is neutral and non-polar, with isoleucine, which is neutral and non-polar, at codon 566 of the FLCN protein (p.Met566Ile). This variant is not present in population databases (gnomAD no frequency). This variant has not been reported in the literature in individuals affected with FLCN-related conditions. ClinVar contains an entry for this variant (Variation ID: 1961169). Invitae Evidence Modeling of protein sequence and biophysical properties (such as structural, functional, and spatial information, amino acid conservation, physicochemical variation, residue mobility, and thermodynamic stability) indicates that this missense variant is not expected to disrupt FLCN protein function with a negative predictive value of 80%. In summary, the available evidence is currently insufficient to determine the role of this variant in disease. Therefore, it has been classified as a Variant of Uncertain Significance.

NM_144997.7(FLCN):c.1698G>A (p.Met566Ile)

Gene: FLCN (folliculin; minus strand). Cytogenetic location: 17p11.2.
Variant type: single nucleotide variant.
Coding change: c.1698G>A on transcript NM_144997.7 (MANE Select); coding-DNA position 1698, G replaced by A.
Protein change: p.Met566Ile; replaces methionine 566 with isoleucine.
Molecular consequence: missense variant.
Genome position (GRCh38, 1-based): chr17:17,213,697, C>T on the plus strand (G>A on the coding strand, the complement: FLCN is on the minus strand). VCF-style: chr17-17213697-C-T. GRCh37 (hg19) VCF-style: chr17-17117011-C-T.
Other names: c.1752G>A, p.Met584Ile (NM_001353229.2); c.1698G>A, p.Met566Ile (NM_001353230.2, NM_001353231.2); short protein forms M566I, M584I.
Identifiers: ClinVar variation 1961169 (VCV001961169.6), dbSNP rs1022566650, ClinGen allele CA288303555.
Genomic context (GRCh38, chr17:17,213,697, plus strand): 5'-GCAGGTGTGTGTGACGGGTCAGTTCCGAGACTCCGAGGCTGTGGGGCTGCGGACCGTGGA[C>T]ATGAGGTGTGACTTGTAGGTCTTGCTCAGGCCAGTCATCCAGAACTTCAGCAGCTTGACA-3'
Protein context (NP_659434.2, residues 556-576): GLSKTYKSHL[Met566Ile]STVRSPTASE